The following is an entry in ClinVar:

ClinVar aggregate classification (germline): Likely benign (1 of 4 stars; one submission).

gnomAD v4.1: 5 of 1,203,284 alleles (0.00042%); no homozygotes.

Submission:

CeGaT Center for Human Genetics Tuebingen
Classification: Likely benign. Last evaluated: 2025-05-01. Review status: criteria provided, single submitter. Criteria: CeGaT Center For Human Genetics Tuebingen Variant Classification Criteria Version 2. Collection method: clinical testing. Allele origin: germline. Affected: yes. Observed: 1 variant allele.
Comment: BRWD3: BP4, BS2

NM_153252.5(BRWD3):c.894T>C (p.His298=)

Gene: BRWD3 (bromodomain and WD repeat domain containing 3; minus strand). Cytogenetic location: Xq21.1.
Variant type: single nucleotide variant.
Coding change: c.894T>C on transcript NM_153252.5 (MANE Select); coding-DNA position 894, T replaced by C.
Protein change: p.His298=; no amino-acid change (histidine 298 retained).
Molecular consequence: synonymous variant.
Genome position (GRCh38, 1-based): chrX:80,736,008, A>G on the plus strand (T>C on the coding strand, the complement: BRWD3 is on the minus strand). VCF-style: chrX-80736008-A-G. GRCh37 (hg19) VCF-style: chrX-79991507-A-G.
Identifiers: ClinVar variation 3905819 (VCV003905819.10).